The following is an entry in ClinVar:

NM_080680.3(COL11A2):c.4391C>A (p.Pro1464His)

Gene: COL11A2 (collagen type XI alpha 2 chain; minus strand). Cytogenetic location: 6p21.32.
Variant type: single nucleotide variant.
Coding change: c.4391C>A on transcript NM_080680.3 (MANE Select); coding-DNA position 4391, C replaced by A.
Protein change: p.Pro1464His; replaces proline 1464 with histidine.
Molecular consequence: missense variant.
Genome position (GRCh38, 1-based): chr6:33,166,514, G>T on the plus strand (C>A on the coding strand, the complement: COL11A2 is on the minus strand). VCF-style: chr6-33166514-G-T. GRCh37 (hg19) VCF-style: chr6-33134291-G-T.
Other names: c.4070C>A, p.Pro1357His (NM_080679.3); c.4133C>A, p.Pro1378His (NM_080681.3); short protein forms P1357H, P1378H, P1464H.
Identifiers: ClinVar variation 1050081 (VCV001050081.1), dbSNP rs944163816, ClinGen allele CA363619983.

ClinVar aggregate classification (germline): Uncertain significance (0 of 4 stars; one submission).

Submission:

Department of Pathology and Laboratory Medicine, Sinai Health System
Classification: Uncertain significance. Review status: no assertion criteria provided. Collection method: clinical testing. Allele origin: unknown. Affected: yes. Study: The Canadian Open Genetics Repository (COGR).
Comment: The COL11A2 p.Pro1378His variant was not identified in the literature nor was it identified in dbSNP, ClinVar, Cosmic or LOVD 3.0. The variant was not identified in the following control databases: the 1000 Genomes Project, the NHLBI GO Exome Sequencing Project, the Exome Aggregation Consortium (August 8th 2016), or the Genome Aggregation Database (Feb 27, 2017). The p.Pro1378 residue is conserved across mammals and other organisms, and computational analyses (PolyPhen-2, SIFT, AlignGVGD, BLOSUM, MutationTaster) suggest that the variant may impact the protein; however, this information is not predictive enough to assume pathogenicity. The p.Pro1378His variant occurs in the last three bases of the exon. This position has been shown to be part of the splicing consensus sequence and variants involving this position sometimes affect splicing. However, in silico or computational prediction software programs (SpliceSiteFinder, MaxEntScan, NNSPLICE, GeneSplicer) do not predict a difference in splicing. In summary, based on the above information the clinical significance of this variant cannot be determined with certainty at this time. This variant is classified as a variant of uncertain significance.